The following is an entry in ClinVar:

NM_000310.4(PPT1):c.628-2A>G

Gene: PPT1 (palmitoyl-protein thioesterase 1; minus strand). Cytogenetic location: 1p34.2.
Variant type: single nucleotide variant.
Coding change: c.628-2A>G on transcript NM_000310.4 (MANE Select); the canonical splice acceptor site of the intron before coding-DNA position 628, A replaced by G.
Molecular consequence: splice acceptor variant.
Genome position (GRCh38, 1-based): chr1:40,078,660, T>C on the plus strand (A>G on the coding strand, the complement: PPT1 is on the minus strand). VCF-style: chr1-40078660-T-C. GRCh37 (hg19) VCF-style: chr1-40544332-T-C.
Other names: c.319-2A>G (NM_001142604.2); c.628-2A>G (NM_001363695.2).
Identifiers: ClinVar variation 1067368 (VCV001067368.8), dbSNP rs2124472385, ClinGen allele CA339846991.
Genomic context (GRCh38, chr1:40,078,660, plus strand): 5'-TTCACCATCACAAACTTCTTCAGGGCCATCAGGTTTTTCTTGTAGGACTCATTGATACCC[T>C]GAAAGAAAGGCCAGCAACACCTAAGGTCATTACCATCAGACACCAGCAGAGGGAGTAAAG-3'

ClinVar aggregate classification (germline): Pathogenic/Likely pathogenic. Review status: criteria provided, multiple submitters, no conflicts (2 of 4 stars). 2 submissions from 2 submitters: Pathogenic (1); Likely pathogenic (1). Last evaluated 2025-10-15.

Conditions:
PPT1-related disorder. Also called: PPT1-related condition.
Neuronal ceroid lipofuscinosis 1 (CLN1). Also called: CEROID LIPOFUSCINOSIS, NEURONAL, 1, VARIABLE AGE AT ONSET; PPT1-Related Neuronal Ceroid-Lipofuscinosis. Identifiers: Orphanet 228329, MedGen C1850451, MONDO:0009744, OMIM 256730.

Allele frequency attached by ClinVar (database versions not stated): gnomAD exomes 0.00002.
gnomAD v4.1: 23 of 1,612,098 alleles (0.0014%); highest among the groups gnomAD compares: Non-Finnish European, 0.0019%; no homozygotes.

Submissions (2):

Labcorp Genetics (formerly Invitae), Labcorp
Classification: Pathogenic for Neuronal ceroid lipofuscinosis 1. Last evaluated: 2025-10-15. Review status: criteria provided, single submitter. Criteria: Invitae Variant Classification Sherloc (09022015). Collection method: clinical testing. Allele origin: germline.
Comment: This sequence change affects an acceptor splice site in intron 6 of the PPT1 gene. It is expected to disrupt RNA splicing. Variants that disrupt the donor or acceptor splice site typically lead to a loss of protein function (PMID: 16199547), and loss-of-function variants in PPT1 are known to be pathogenic (PMID: 10679943, 21990111). This variant is not present in population databases (gnomAD no frequency). Disruption of this splice site has been observed in individual(s) with infantile neuronal ceroid lipofuscinosis (PMID: 10679943). In at least one individual the data is consistent with being in trans (on the opposite chromosome) from a pathogenic variant. ClinVar contains an entry for this variant (Variation ID: 1067368). Algorithms developed to predict the effect of sequence changes on RNA splicing suggest that this variant may disrupt the consensus splice site. For these reasons, this variant has been classified as Pathogenic.

Blueprint Genetics
Classification: Likely pathogenic for PPT1-related disorders. Last evaluated: 2023-01-27. Review status: criteria provided, single submitter. Criteria: ACMG Guidelines, 2015. Collection method: clinical testing. Allele origin: germline. Affected: yes. Observed: 1 variant allele.

Literature cited by the submitters: PubMed 16199547 (cited by Labcorp Genetics (formerly Invitae), Labcorp); PubMed 10679943 (cited by Labcorp Genetics (formerly Invitae), Labcorp); PubMed 21990111 (cited by Labcorp Genetics (formerly Invitae), Labcorp).